The following is an entry in ClinVar:

ClinVar aggregate classification (germline): Uncertain significance (1 of 4 stars; one submission).

gnomAD v4.1: 26 of 1,614,138 alleles (0.0016%); highest among the groups gnomAD compares: Middle Eastern, 0.049%; no homozygotes.

Submission:

Labcorp Genetics (formerly Invitae), Labcorp
Classification: Uncertain significance. Last evaluated: 2025-04-27. Review status: criteria provided, single submitter. Criteria: Invitae Variant Classification Sherloc (09022015). Collection method: clinical testing. Allele origin: germline.
Comment: This sequence change replaces glycine, which is neutral and non-polar, with aspartic acid, which is acidic and polar, at codon 122 of the PLTP protein (p.Gly122Asp). The frequency data for this variant in the population databases is considered unreliable, as metrics indicate poor data quality at this position in the gnomAD database. This variant has not been reported in the literature in individuals affected with PLTP-related conditions. ClinVar contains an entry for this variant (Variation ID: 3613560). An algorithm developed to predict the effect of missense changes on protein structure and function outputs the following: PolyPhen-2: "Possibly Damaging". The aspartic acid amino acid residue is found in multiple mammalian species, which suggests that this missense change does not adversely affect protein function. In summary, the available evidence is currently insufficient to determine the role of this variant in disease. Therefore, it has been classified as a Variant of Uncertain Significance.

NM_006227.4(PLTP):c.365G>A (p.Gly122Asp)

Gene: PLTP (phospholipid transfer protein; minus strand). Cytogenetic location: 20q13.12.
Variant type: single nucleotide variant.
Coding change: c.365G>A on transcript NM_006227.4 (MANE Select); coding-DNA position 365, G replaced by A.
Protein change: p.Gly122Asp; replaces glycine 122 with aspartic acid.
Molecular consequence: missense variant. On other transcripts: intron variant (2).
Genome position (GRCh38, 1-based): chr20:45,909,636, C>T on the plus strand (G>A on the coding strand, the complement: PLTP is on the minus strand). VCF-style: chr20-45909636-C-T. GRCh37 (hg19) VCF-style: chr20-44538275-C-T.
Other names: c.101G>A, p.Gly34Asp (NM_001242921.1); c.200+1516G>A (NM_001242920.2); c.329+306G>A (NM_182676.3); short protein forms G122D, G34D.
Identifiers: ClinVar variation 3613560 (VCV003613560.2).